The following is an entry in ClinVar:

NM_018006.5(TRMU):c.82+5G>A

Gene: TRMU (tRNA mitochondrial 2-thiouridylase; plus strand). Cytogenetic location: 22q13.31.
Variant type: single nucleotide variant.
Coding change: c.82+5G>A on transcript NM_018006.5 (MANE Select); 5 bases into the intron after coding-DNA position 82, G replaced by A.
Molecular consequence: intron variant.
Genome position (GRCh38, 1-based): chr22:46,335,851, G>A. VCF-style: chr22-46335851-G-A. GRCh37 (hg19) VCF-style: chr22-46731748-G-A.
Other names: c.82+5G>A (NM_001282785.2); c.-154+5G>A (NM_001282782.2); c.-173+5G>A (NM_001282783.2, NM_001282784.2).
Identifiers: ClinVar variation 2091685 (VCV002091685.1), dbSNP rs771076163, ClinGen allele CA639643730.
Genomic context (GRCh38, chr22:46,335,851, plus strand): 5'-CGCCCTGTCCGGCGGCGTGGACAGCGCCGTGGCCGCGCTGCTGCTGAGGCGGAGAGGTGA[G>A]GCGTCCGAGGCTCCCGCCCCCCGCCGAGCGAATGTGTCCCCGGAAACCTGTCCCCGTCCG-3'

ClinVar aggregate classification (germline): Uncertain significance (1 of 4 stars; one submission).

Submission:

Labcorp Genetics (formerly Invitae), Labcorp
Classification: Uncertain significance. Last evaluated: 2022-02-03. Review status: criteria provided, single submitter. Criteria: Invitae Variant Classification Sherloc (09022015). Collection method: clinical testing. Allele origin: germline.
Comment: This sequence change falls in intron 1 of the TRMU gene. It does not directly change the encoded amino acid sequence of the TRMU protein. It affects a nucleotide within the consensus splice site. This variant is present in population databases (no rsID available, gnomAD 0.004%). This variant has not been reported in the literature in individuals affected with TRMU-related conditions. Variants that disrupt the consensus splice site are a relatively common cause of aberrant splicing (PMID: 17576681, 9536098). Algorithms developed to predict the effect of sequence changes on RNA splicing suggest that this variant may disrupt the consensus splice site. In summary, the available evidence is currently insufficient to determine the role of this variant in disease. Therefore, it has been classified as a Variant of Uncertain Significance.

Literature cited by the submitters: PubMed 17576681; PubMed 9536098.